The following is an entry in ClinVar:

ClinVar aggregate classification (germline): Pathogenic (1 of 4 stars; one submission).

Conditions:
Cardiac arrhythmia. Also called: Cardiac rhythm disease; Arrhythmia. Identifiers: MedGen C0003811, MONDO:0007263, HP:0011675.

Submission:

GeneDx
Classification: Pathogenic for Cardiac arrhythmia. Last evaluated: 2014-04-08. Review status: criteria provided, single submitter. Criteria: GeneDx Variant Classification (06012015). Collection method: clinical testing. Allele origin: germline. Affected: yes.
Comment: p.His614del (H614del): c.1842_1844delCCA in exon 16 of the KCNQ1 gene (NM_000218.2). The normal sequence with the bases that are deleted in braces is: TTCA{CCA}GCTG. The c.1842_1844delCCA mutation in the KCNQ1 gene has been reported in one individual with LQTS and it was absent from 2,600 control alleles (reported as 614delH due to alternate nomenclature) (Kapplinger J et al., 2009). The c.1842_1844delCCA mutation was not observed in approximately 6,500 individuals of European and African American ancestry in the NHLBI Exome Sequencing Project, indicating it is not a common benign variant in these populations. The c.1842_1844delCCA mutation results in an in-frame deletion of a Histidine residue at codon 614, denoted p.His614del. The variant is found in KCNQ1 panel(s).

NM_000218.3(KCNQ1):c.1842_1844del (p.His614del)

Genes: KCNQ1 (potassium voltage-gated channel subfamily Q member 1; plus strand), KCNQ1-AS1 (KCNQ1 antisense RNA 1; minus strand). Cytogenetic location: 11p15.4.
Variant type: Deletion.
Coding change: c.1842_1844del on transcript NM_000218.3 (MANE Select); coding-DNA positions 1842 to 1844, 3 bases deleted (CCA; older notation c.1842_1844delCCA).
Protein change: p.His614del; deletes histidine 614.
Molecular consequence: inframe deletion. On other transcripts: inframe indel (5).
Genome position (GRCh38, 1-based): chr11:2,847,814-2,847,816, CCA deleted; deleting any 3 consecutive bases within chr11:2,847,812-2,847,816 gives the same sequence; the c. name uses the placement nearest the transcript's 3' end. VCF-style (leftmost placement, unchanged base first): chr11-2847811-TCAC-T. GRCh37 (hg19) VCF-style: chr11-2869041-TCAC-T.
Other names: c.1746_1748delCCA, p.His582del (NM_001406836.1); c.1572_1574delCCA, p.His524del (NM_001406837.1); c.1302_1304delCCA, p.His434del (NM_001406838.1); c.354_356delCCA, p.His118del (NM_001406839.1); c.1461_1463delCCA, p.His487del (NM_181798.2); short protein forms H487del, H614del, H524del, H118del, H434del, H582del.
Identifiers: ClinVar variation 53020 (VCV000053020.4), dbSNP rs397508101, ClinGen allele CA006491.